The following is an entry in ClinVar:

NM_000094.4(COL7A1):c.3837G>T (p.Arg1279Ser)

Gene: COL7A1 (collagen type VII alpha 1 chain; minus strand). Cytogenetic location: 3p21.31.
Variant type: single nucleotide variant.
Coding change: c.3837G>T on transcript NM_000094.4 (MANE Select); coding-DNA position 3837, G replaced by T.
Protein change: p.Arg1279Ser; replaces arginine 1279 with serine.
Molecular consequence: missense variant.
Genome position (GRCh38, 1-based): chr3:48,585,614, C>A on the plus strand (G>T on the coding strand, the complement: COL7A1 is on the minus strand). VCF-style: chr3-48585614-C-A. GRCh37 (hg19) VCF-style: chr3-48623047-C-A.
Other names: short protein forms R1279S.
Identifiers: ClinVar variation 2148401 (VCV002148401.1), dbSNP rs146903823, ClinGen allele CA73983143.

ClinVar aggregate classification (germline): Uncertain significance (1 of 4 stars; one submission).

gnomAD v4.1: 3 of 1,613,870 alleles (0.00019%); highest among the groups gnomAD compares: African/African-American, 0.004%; no homozygotes.

Submission:

Labcorp Genetics (formerly Invitae), Labcorp
Classification: Uncertain significance. Last evaluated: 2021-03-13. Review status: criteria provided, single submitter. Criteria: Invitae Variant Classification Sherloc (09022015). Collection method: clinical testing. Allele origin: germline.
Comment: This sequence change replaces arginine with serine at codon 1279 of the COL7A1 protein (p.Arg1279Ser). The arginine residue is highly conserved and there is a moderate physicochemical difference between arginine and serine. This variant is not present in population databases (ExAC no frequency). This variant has not been reported in the literature in individuals with COL7A1-related conditions. Advanced modeling of protein sequence and biophysical properties (such as structural, functional, and spatial information, amino acid conservation, physicochemical variation, residue mobility, and thermodynamic stability) performed at Invitae indicates that this missense variant is expected to disrupt COL7A1 protein function. In summary, the available evidence is currently insufficient to determine the role of this variant in disease. Therefore, it has been classified as a Variant of Uncertain Significance.